The following is an entry in ClinVar:

ClinVar aggregate classification (germline): Uncertain significance (1 of 4 stars; one submission).

Conditions:
Autosomal dominant spastic paraplegia type 9. Identifiers: MedGen C1832669, MONDO:0015091.
de Barsy syndrome. Also called: Cutis laxa-corneal clouding-oligophrenia syndrome. Identifiers: Orphanet 2962, MedGen C0268354, MONDO:0017569.
Cutis laxa, autosomal dominant 3 (ADCL3). Identifiers: Orphanet 90348, MedGen C4225268, MONDO:0014706, OMIM 616603.

Submission:

Labcorp Genetics (formerly Invitae), Labcorp
Classification: Uncertain significance for Autosomal dominant spastic paraplegia type 9; de Barsy syndrome; Cutis laxa, autosomal dominant 3. Last evaluated: 2021-09-06. Review status: criteria provided, single submitter. Criteria: Invitae Variant Classification Sherloc (09022015). Collection method: clinical testing. Allele origin: germline.
Comment: In summary, the available evidence is currently insufficient to determine the role of this variant in disease. Therefore, it has been classified as a Variant of Uncertain Significance. Algorithms developed to predict the effect of missense changes on protein structure and function (SIFT, PolyPhen-2, Align-GVGD) all suggest that this variant is likely to be tolerated. This variant has not been reported in the literature in individuals affected with ALDH18A1-related conditions. This variant is not present in population databases (ExAC no frequency). This sequence change replaces asparagine with aspartic acid at codon 239 of the ALDH18A1 protein (p.Asn239Asp). The asparagine residue is moderately conserved and there is a small physicochemical difference between asparagine and aspartic acid.

NM_002860.4(ALDH18A1):c.715A>G (p.Asn239Asp)

Gene: ALDH18A1 (aldehyde dehydrogenase 18 family member A1; minus strand). Cytogenetic location: 10q24.1.
Variant type: single nucleotide variant.
Coding change: c.715A>G on transcript NM_002860.4 (MANE Select); coding-DNA position 715, A replaced by G.
Protein change: p.Asn239Asp; replaces asparagine 239 with aspartic acid.
Molecular consequence: missense variant. On other transcripts: intron variant (3).
Genome position (GRCh38, 1-based): chr10:95,633,493, T>C on the plus strand (A>G on the coding strand, the complement: ALDH18A1 is on the minus strand). VCF-style: chr10-95633493-T-C. GRCh37 (hg19) VCF-style: chr10-97393250-T-C.
Other names: c.715A>G, p.Asn239Asp (NM_001323413.2, NM_001323414.2); c.382A>G, p.Asn128Asp (NM_001323416.2, NM_001323412.2); c.610A>G, p.Asn204Asp (NM_001323417.2); c.79A>G, p.Asn27Asp (NM_001323419.2); c.711+4A>G (NM_001017423.2, NM_001323415.2); c.378+4A>G (NM_001323418.2); short protein forms N128D, N204D, N239D, N27D.
Identifiers: ClinVar variation 1433375 (VCV001433375.6), dbSNP rs2139609482, ClinGen allele CA377705140.